The following is an entry in ClinVar:

ClinVar aggregate classification (germline): Uncertain significance (1 of 4 stars; one submission).

Conditions:
Gorlin syndrome. Also called: Basal cell nevus syndrome; Nevoid Basal Cell Carcinoma Syndrome. Identifiers: Orphanet 377, MedGen C0004779, MONDO:0007187.

Allele frequency attached by ClinVar (database versions not stated): TOPMed 0.00002.

Submission:

Labcorp Genetics (formerly Invitae), Labcorp
Classification: Uncertain significance for Gorlin syndrome. Last evaluated: 2022-02-25. Review status: criteria provided, single submitter. Criteria: Invitae Variant Classification Sherloc (09022015). Collection method: clinical testing. Allele origin: germline.
Comment: ClinVar contains an entry for this variant (Variation ID: 644639). This variant has not been reported in the literature in individuals affected with PTCH2-related conditions. This variant is not present in population databases (gnomAD no frequency). This sequence change replaces leucine, which is neutral and non-polar, with phenylalanine, which is neutral and non-polar, at codon 7 of the PTCH2 protein (p.Leu7Phe). Algorithms developed to predict the effect of missense changes on protein structure and function (SIFT, PolyPhen-2, Align-GVGD) all suggest that this variant is likely to be tolerated. In summary, the available evidence is currently insufficient to determine the role of this variant in disease. Therefore, it has been classified as a Variant of Uncertain Significance.

NM_003738.5(PTCH2):c.19C>T (p.Leu7Phe)

Gene: PTCH2 (patched 2; minus strand). Cytogenetic location: 1p34.1.
Variant type: single nucleotide variant.
Coding change: c.19C>T on transcript NM_003738.5 (MANE Select); coding-DNA position 19, C replaced by T.
Protein change: p.Leu7Phe; replaces leucine 7 with phenylalanine.
Molecular consequence: missense variant.
Genome position (GRCh38, 1-based): chr1:44,842,914, G>A on the plus strand (C>T on the coding strand, the complement: PTCH2 is on the minus strand). VCF-style: chr1-44842914-G-A. GRCh37 (hg19) VCF-style: chr1-45308586-G-A.
Other names: c.19C>T, p.Leu7Phe (NM_001166292.2); short protein forms L7F.
Identifiers: ClinVar variation 644639 (VCV000644639.9), dbSNP rs1030456781, ClinGen allele CA21760510.